The following is an entry in ClinVar:

NM_152730.6(TBC1D32):c.1609G>T (p.Ala537Ser)

Gene: TBC1D32 (TBC1 domain family member 32; minus strand). Cytogenetic location: 6q22.31.
Variant type: single nucleotide variant.
Coding change: c.1609G>T on transcript NM_152730.6 (MANE Select); coding-DNA position 1609, G replaced by T.
Protein change: p.Ala537Ser; replaces alanine 537 with serine.
Molecular consequence: missense variant. On other transcripts: non-coding transcript variant (1).
Genome position (GRCh38, 1-based): chr6:121,279,245, C>A on the plus strand (G>T on the coding strand, the complement: TBC1D32 is on the minus strand). VCF-style: chr6-121279245-C-A. GRCh37 (hg19) VCF-style: chr6-121600391-C-A.
Other names: c.1609G>T, p.Ala537Ser (NM_001367759.1, NM_001367760.1); short protein forms A537S.
Identifiers: ClinVar variation 1516688 (VCV001516688.7), dbSNP rs202238791, ClinGen allele CA3981087.

ClinVar aggregate classification (germline): Uncertain significance (1 of 4 stars; one submission).

Allele frequency attached by ClinVar (database versions not stated): ESP Exome Variant Server 0.00017.

Submissions (2):

Labcorp Genetics (formerly Invitae), Labcorp
Classification: Uncertain significance. Last evaluated: 2024-09-11. Review status: criteria provided, single submitter. Criteria: Invitae Variant Classification Sherloc (09022015). Collection method: clinical testing. Allele origin: germline.
Comment: This sequence change replaces alanine, which is neutral and non-polar, with serine, which is neutral and polar, at codon 537 of the TBC1D32 protein (p.Ala537Ser). This variant is present in population databases (rs202238791, gnomAD 0.2%). This variant has not been reported in the literature in individuals affected with TBC1D32-related conditions. ClinVar contains an entry for this variant (Variation ID: 1516688). An algorithm developed to predict the effect of missense changes on protein structure and function outputs the following: PolyPhen-2: "Benign". The serine amino acid residue is found in multiple mammalian species, which suggests that this missense change does not adversely affect protein function. In summary, the available evidence is currently insufficient to determine the role of this variant in disease. Therefore, it has been classified as a Variant of Uncertain Significance.

Dr. Peter K. Rogan Lab, Western University
No classification provided (evidence only). Condition: Acute myeloid leukemia. Review status: no classification provided. Collection method: in vitro. Allele origin: not applicable. Functional consequence: retained intron. Not counted in ClinVar's aggregate classification.